The following is an entry in ClinVar:

ClinVar aggregate classification (germline): Uncertain significance (1 of 4 stars; one submission).

Submission:

Labcorp Genetics (formerly Invitae), Labcorp
Classification: Uncertain significance. Last evaluated: 2022-03-14. Review status: criteria provided, single submitter. Criteria: Invitae Variant Classification Sherloc (09022015). Collection method: clinical testing. Allele origin: germline.
Comment: This sequence change replaces histidine, which is basic and polar, with arginine, which is basic and polar, at codon 1543 of the DUOX2 protein (p.His1543Arg). This variant is present in population databases (no rsID available, gnomAD 0.01%). This variant has not been reported in the literature in individuals affected with DUOX2-related conditions. Advanced modeling of protein sequence and biophysical properties (such as structural, functional, and spatial information, amino acid conservation, physicochemical variation, residue mobility, and thermodynamic stability) performed at Invitae indicates that this missense variant is expected to disrupt DUOX2 protein function. In summary, the available evidence is currently insufficient to determine the role of this variant in disease. Therefore, it has been classified as a Variant of Uncertain Significance.

NM_001363711.2(DUOX2):c.4628A>G (p.His1543Arg)

Gene: DUOX2 (dual oxidase 2; minus strand). Cytogenetic location: 15q21.1.
Variant type: single nucleotide variant.
Coding change: c.4628A>G on transcript NM_001363711.2 (MANE Select); coding-DNA position 4628, A replaced by G.
Protein change: p.His1543Arg; replaces histidine 1543 with arginine.
Molecular consequence: missense variant.
Genome position (GRCh38, 1-based): chr15:45,094,169, T>C on the plus strand (A>G on the coding strand, the complement: DUOX2 is on the minus strand). VCF-style: chr15-45094169-T-C. GRCh37 (hg19) VCF-style: chr15-45386367-T-C.
Other names: c.4628A>G, p.His1543Arg (NM_014080.5); short protein forms H1543R.
Identifiers: ClinVar variation 2106803 (VCV002106803.1), dbSNP rs1009308989, ClinGen allele CA392248901.